The following is an entry in ClinVar:

ClinVar aggregate classification (germline): Pathogenic/Likely pathogenic. Review status: criteria provided, multiple submitters, no conflicts (2 of 4 stars). 3 submissions from 3 submitters: Pathogenic (2); Likely pathogenic (1). Last evaluated 2025-06-24.

Conditions:
Cerebral cavernous malformation (CCM). Also called: Cavernous Hemangioma of Brain; Cerebral cavernous hemangioma (type); Cerebral cavernous malformations; CAVERNOUS ANGIOMA, FAMILIAL; CAVERNOUS ANGIOMATOUS MALFORMATIONS; CEREBRAL CAPILLARY MALFORMATIONS. Identifiers: Orphanet 221061, MedGen C2919945, MONDO:0000820, OMIM 116860, HP:0033522.

Allele frequency attached by ClinVar (database versions not stated): TOPMed below 0.00001; gnomAD 0.00001.
gnomAD v4.1: 1 of 1,242,640 alleles (0.00008%); highest among the groups gnomAD compares: African/African-American, 0.0015%; no homozygotes.

Submissions (3):

Labcorp Genetics (formerly Invitae), Labcorp
Classification: Pathogenic for Cerebral cavernous malformation. Last evaluated: 2025-06-24. Review status: criteria provided, single submitter. Criteria: Invitae Variant Classification Sherloc (09022015). Collection method: clinical testing. Allele origin: germline.
Comment: This sequence change falls in intron 18 of the KRIT1 gene. It does not directly change the encoded amino acid sequence of the KRIT1 protein. RNA analysis indicates that this variant induces altered splicing and likely results in a shortened protein product. This variant is not present in population databases (gnomAD no frequency). This variant has been observed in individuals with cerebral cavernous malformations (PMID: 10508515, 31254430; internal data). This variant is also known as IVS10 A>G -12. ClinVar contains an entry for this variant (Variation ID: 590731). Studies have shown that this variant results in skipping of exon 19, but is expected to preserve the integrity of the reading-frame (PMID: 10508515). For these reasons, this variant has been classified as Pathogenic.

GeneDx
Classification: Likely pathogenic. Last evaluated: 2024-03-01. Review status: criteria provided, single submitter. Criteria: GeneDx Variant Classification Process June 2021. Collection method: clinical testing. Allele origin: germline. Affected: yes.
Comment: RNA studies demonstrate a damaging effect due to in-frame skipping of adjacent exon 19, described as skipping of exon 11 and skipping of exon 18 using alternate nomenclature in some cases (PMID: 10508515, 12404106, 24689081); Not observed at significant frequency in large population cohorts (gnomAD); This variant is associated with the following publications: (PMID: 33604894, 12404106, 10508515, 31254430, 23595507, 30161288, 24689081)

PreventionGenetics, part of Exact Sciences
Classification: Pathogenic. Last evaluated: 2013-10-10. Review status: criteria provided, single submitter. Criteria: ACMG Guidelines, 2015. Collection method: clinical testing. Allele origin: germline.

Literature cited by the submitters: PubMed 10508515 (cited by Labcorp Genetics (formerly Invitae), Labcorp); PubMed 31254430 (cited by Labcorp Genetics (formerly Invitae), Labcorp).

NM_194454.3(KRIT1):c.2026-12A>G

Gene: KRIT1 (KRIT1 ankyrin repeat containing; minus strand). Cytogenetic location: 7q21.2.
Variant type: single nucleotide variant.
Coding change: c.2026-12A>G on transcript NM_194454.3 (MANE Select); 12 bases into the intron before coding-DNA position 2026, A replaced by G.
Molecular consequence: intron variant.
Genome position (GRCh38, 1-based): chr7:92,201,435, T>C on the plus strand (A>G on the coding strand, the complement: KRIT1 is on the minus strand). VCF-style: chr7-92201435-T-C. GRCh37 (hg19) VCF-style: chr7-91830749-T-C.
Other names: c.2026-12A>G (NM_001350672.1, NM_001350676.1, NM_001350673.1 and 26 more transcripts); c.1882-12A>G (NM_001350669.1, NM_001013406.2, NM_001350670.1); c.1312-12A>G (NM_001350671.1).
Identifiers: ClinVar variation 590731 (VCV000590731.6), dbSNP rs1041438637, ClinGen allele CA161930216.